The following is an entry in ClinVar:

ClinVar aggregate classification (germline): Uncertain significance. Review status: criteria provided, multiple submitters, no conflicts (2 of 4 stars). 4 submissions from 4 submitters: Uncertain significance (3). 1 of the submissions does not count toward it. Last evaluated 2026-02-04.

Conditions:
CFTR-related disorder (CFTR-RD). Also called: CFTR-related disorders; CFTR-related condition. Identifiers: MedGen C5924204, MONDO:7770004.
Cystic fibrosis (CF). Also called: MUCOVISCIDOSIS. Identifiers: Orphanet 586, MedGen C0010674, MONDO:0009061, OMIM 219700. Disease mechanism: loss of function.

Allele frequency attached by ClinVar (database versions not stated): gnomAD exomes 0.00005 and 0.00003; ExAC 0.00009; gnomAD below 0.00001 and 0.00001; TOPMed below 0.00001.
gnomAD v4.1: 41 of 1,599,070 alleles (0.0026%); highest among the groups gnomAD compares: South Asian, 0.045%; no homozygotes.

Submissions (4):

PreventionGenetics, part of Exact Sciences
Classification: Uncertain significance for CFTR-related condition. Last evaluated: 2026-02-04. Review status: criteria provided, single submitter. Criteria: ACMG Guidelines, 2015. Collection method: clinical testing. Allele origin: germline.
Comment: The CFTR c.766A>G variant is predicted to result in the amino acid substitution p.Ser256Gly. To our knowledge, this variant has not been reported in the literature. This variant is reported in 0.042% of alleles in individuals of South Asian descent in gnomAD. At this time, the clinical significance of this variant is uncertain due to the absence of conclusive functional and genetic evidence.

Labcorp Genetics (formerly Invitae), Labcorp
Classification: Uncertain significance for Cystic fibrosis. Last evaluated: 2025-02-17. Review status: criteria provided, single submitter. Criteria: Invitae Variant Classification Sherloc (09022015). Collection method: clinical testing. Allele origin: germline.
Comment: This sequence change replaces serine, which is neutral and polar, with glycine, which is neutral and non-polar, at codon 256 of the CFTR protein (p.Ser256Gly). This variant is present in population databases (rs773790621, gnomAD 0.04%). This variant has not been reported in the literature in individuals affected with CFTR-related conditions. ClinVar contains an entry for this variant (Variation ID: 582520). Invitae Evidence Modeling of protein sequence and biophysical properties (such as structural, functional, and spatial information, amino acid conservation, physicochemical variation, residue mobility, and thermodynamic stability) indicates that this missense variant is not expected to disrupt CFTR protein function with a negative predictive value of 80%. In summary, the available evidence is currently insufficient to determine the role of this variant in disease. Therefore, it has been classified as a Variant of Uncertain Significance.

Ambry Genetics
Classification: Uncertain significance for Cystic fibrosis. Last evaluated: 2023-05-04. Review status: criteria provided, single submitter. Criteria: Ambry Variant Classification Scheme 2023. Collection method: clinical testing. Allele origin: germline.
Comment: The p.S256G variant (also known as c.766A>G), located in coding exon 7 of the CFTR gene, results from an A to G substitution at nucleotide position 766. The serine at codon 256 is replaced by glycine, an amino acid with similar properties. This amino acid position is poorly conserved in available vertebrate species. In addition, the in silico prediction for this alteration is inconclusive. Since supporting evidence is limited at this time, the clinical significance of this alteration remains unclear.

Natera, Inc.
Classification: Uncertain significance for CFTR-related disorders. Last evaluated: 2017-09-08. Review status: no assertion criteria provided. Collection method: clinical testing. Allele origin: germline. Not counted in ClinVar's aggregate classification.

NM_000492.4(CFTR):c.766A>G (p.Ser256Gly)

Gene: CFTR (CF transmembrane conductance regulator; plus strand). Cytogenetic location: 7q31.2.
Variant type: single nucleotide variant.
Coding change: c.766A>G on transcript NM_000492.4 (MANE Select); coding-DNA position 766, A replaced by G.
Protein change: p.Ser256Gly; replaces serine 256 with glycine.
Molecular consequence: missense variant.
Genome position (GRCh38, 1-based): chr7:117,536,570, A>G. VCF-style: chr7-117536570-A-G. GRCh37 (hg19) VCF-style: chr7-117176624-A-G.
Other names: short protein forms S256G.
Identifiers: ClinVar variation 582520 (VCV000582520.10), dbSNP rs773790621, ClinGen allele CA4450829.